The following is an entry in ClinVar:

NM_024675.4(PALB2):c.2834+13C>A

Gene: PALB2 (partner and localizer of BRCA2; minus strand). Cytogenetic location: 16p12.2.
Variant type: single nucleotide variant.
Coding change: c.2834+13C>A on transcript NM_024675.4 (MANE Select); 13 bases into the intron after coding-DNA position 2834, C replaced by A.
Molecular consequence: intron variant.
Genome position (GRCh38, 1-based): chr16:23,623,996, G>T on the plus strand (C>A on the coding strand, the complement: PALB2 is on the minus strand). VCF-style: chr16-23623996-G-T. GRCh37 (hg19) VCF-style: chr16-23635317-G-T.
Identifiers: ClinVar variation 516437 (VCV000516437.14), dbSNP rs551516577, ClinGen allele CA7963476.

ClinVar aggregate classification (germline): Likely benign. Review status: criteria provided, multiple submitters, no conflicts (2 of 4 stars). 5 submissions from 5 submitters: Likely benign (5). Last evaluated 2026-01-27.

Conditions:
Pancreatic cancer, susceptibility to, 3. Identifiers: Orphanet 1333, MedGen C3150547, MONDO:0013236, OMIM 613348.
Familial cancer of breast. Also called: hereditary breast carcinoma; BREAST CANCER, FAMILIAL; Hereditary breast cancer. Identifiers: Orphanet 227535, MedGen C0346153, MONDO:0016419, OMIM 114480. Disease mechanism: loss of function.
Fanconi anemia complementation group N. Also called: PALB2-Related Fanconi Anemia. Identifiers: Orphanet 84, MedGen C1835817, MONDO:0012565, OMIM 610832. Disease mechanism: loss of function.
Familial pancreatic carcinoma. Identifiers: Orphanet 1333, MedGen C2931038, MONDO:0015278, OMIM 260350.
Hereditary cancer-predisposing syndrome. Also called: Neoplastic Syndromes, Hereditary; Tumor predisposition; Hereditary Cancer Syndrome; Hereditary neoplastic syndrome. Identifiers: Orphanet 140162, MedGen C0027672, MeSH D009386, MONDO:0015356.

Allele frequency attached by ClinVar (database versions not stated): TOPMed below 0.00001; gnomAD 0.00001; gnomAD exomes 0.00001 and 0.00004; ExAC 0.00003; 1000 Genomes Project 30x 0.00016; 1000 Genomes Project 0.00020.
gnomAD v4.1: 11 of 1,546,976 alleles (0.00071%); highest among the groups gnomAD compares: East Asian, 0.02%; no homozygotes.

Submissions (5):

Labcorp Genetics (formerly Invitae), Labcorp
Classification: Likely benign for Familial cancer of breast. Last evaluated: 2026-01-27. Review status: criteria provided, single submitter. Criteria: Invitae Variant Classification Sherloc (09022015). Collection method: clinical testing. Allele origin: germline.

Department of Pathology and Laboratory Medicine, Sinai Health System
Classification: Likely benign for Familial pancreatic carcinoma. Last evaluated: 2024-05-15. Review status: criteria provided, single submitter. Criteria: ACMG Guidelines, 2015. Collection method: clinical testing. Allele origin: germline. Affected: yes.

Fulgent Genetics
Classification: Likely benign for Familial cancer of breast; Fanconi anemia complementation group N; Pancreatic cancer, susceptibility to, 3. Last evaluated: 2021-08-27. Review status: criteria provided, single submitter. Criteria: ACMG Guidelines, 2015. Collection method: clinical testing. Allele origin: unknown.

GeneDx
Classification: Likely benign. Last evaluated: 2017-10-06. Review status: criteria provided, single submitter. Criteria: GeneDx Variant Classification (06012015). Collection method: clinical testing. Allele origin: germline. Affected: yes.
Comment: This variant is considered likely benign or benign based on one or more of the following criteria: it is a conservative change, it occurs at a poorly conserved position in the protein, it is predicted to be benign by multiple in silico algorithms, and/or has population frequency not consistent with disease.

Color Diagnostics, LLC DBA Color Health
Classification: Likely benign for Hereditary cancer-predisposing syndrome. Last evaluated: 2016-11-28. Review status: criteria provided, single submitter. Criteria: ACMG Guidelines, 2015. Collection method: clinical testing. Allele origin: germline.